The following is an entry in ClinVar:

NM_015267.4(CUX2):c.753+11G>A

Gene: CUX2 (cut like homeobox 2; plus strand). Cytogenetic location: 12q24.11.
Variant type: single nucleotide variant.
Coding change: c.753+11G>A on transcript NM_015267.4 (MANE Select); 11 bases into the intron after coding-DNA position 753, G replaced by A.
Molecular consequence: intron variant.
Genome position (GRCh38, 1-based): chr12:111,298,600, G>A. VCF-style: chr12-111298600-G-A. GRCh37 (hg19) VCF-style: chr12-111736404-G-A.
Other names: c.567+11G>A (NM_001370598.1).
Identifiers: ClinVar variation 1691068 (VCV001691068.3), dbSNP rs138009341, ClinGen allele CA6788465.

ClinVar aggregate classification (germline): Conflicting classifications of pathogenicity. Review status: criteria provided, conflicting classifications (1 of 4 stars). 2 submissions from 2 submitters: Uncertain significance (1); Likely benign (1). Last evaluated 2024-10-18.

Allele frequency attached by ClinVar (database versions not stated): ExAC 0.00104; 1000 Genomes Project 30x 0.00125; 1000 Genomes Project 0.00140; ESP Exome Variant Server 0.00189; gnomAD 0.00206 and 0.00222; TOPMed 0.00225.
gnomAD v4.1: 633 of 1,562,044 alleles (0.041%); highest among the groups gnomAD compares: African/African-American, 0.72%; 5 homozygotes.

Submissions (2):

Blueprint Genetics
Classification: Likely benign. Last evaluated: 2024-10-18. Review status: criteria provided, single submitter. Criteria: ACMG Guidelines, 2015. Collection method: clinical testing. Allele origin: germline.

Laboratorio de Genetica e Diagnostico Molecular, Hospital Israelita Albert Einstein
Classification: Uncertain significance. Last evaluated: 2019-06-17. Review status: criteria provided, single submitter. Criteria: ACMG Guidelines, 2015. Collection method: clinical testing. Allele origin: germline. Affected: yes.
Comment: ACMG classification criteria: PM2